The following is an entry in ClinVar:

ClinVar aggregate classification (germline): Uncertain significance (1 of 4 stars; one submission).

Conditions:
Norman-Roberts syndrome (LIS2). Also called: Lissencephaly 2 (Norman-Roberts type). Identifiers: Orphanet 89844, MedGen C0796089, MONDO:0009760, OMIM 257320.
Familial temporal lobe epilepsy 7. Identifiers: Orphanet 101046, MedGen C4225327, MONDO:0014639, OMIM 616436.

Allele frequency attached by ClinVar (database versions not stated): gnomAD exomes 0.00001; ExAC 0.00002.
gnomAD v4.1: 10 of 1,594,208 alleles (0.00063%); highest among the groups gnomAD compares: South Asian, 0.0022%; no homozygotes.

Submission:

Labcorp Genetics (formerly Invitae), Labcorp
Classification: Uncertain significance for Familial temporal lobe epilepsy 7; Norman-Roberts syndrome. Last evaluated: 2023-09-08. Review status: criteria provided, single submitter. Criteria: Invitae Variant Classification Sherloc (09022015). Collection method: clinical testing. Allele origin: germline.
Comment: This sequence change replaces arginine, which is basic and polar, with tryptophan, which is neutral and slightly polar, at codon 1742 of the RELN protein (p.Arg1742Trp). The frequency data for this variant in the population databases is considered unreliable, as metrics indicate poor data quality at this position in the gnomAD database. This variant has not been reported in the literature in individuals affected with RELN-related conditions. Advanced modeling of protein sequence and biophysical properties (such as structural, functional, and spatial information, amino acid conservation, physicochemical variation, residue mobility, and thermodynamic stability) has been performed at Invitae for this missense variant, however the output from this modeling did not meet the statistical confidence thresholds required to predict the impact of this variant on RELN protein function. Studies have shown that this missense change alters RELN gene expression (PMID: 28419454). In summary, the available evidence is currently insufficient to determine the role of this variant in disease. Therefore, it has been classified as a Variant of Uncertain Significance.

Literature cited by the submitters: PubMed 28419454.

NM_005045.4(RELN):c.5224C>T (p.Arg1742Trp)

Gene: RELN (reelin; minus strand). Cytogenetic location: 7q22.1.
Variant type: single nucleotide variant.
Coding change: c.5224C>T on transcript NM_005045.4 (MANE Select); coding-DNA position 5224, C replaced by T.
Protein change: p.Arg1742Trp; replaces arginine 1742 with tryptophan.
Molecular consequence: missense variant.
Genome position (GRCh38, 1-based): chr7:103,561,940, G>A on the plus strand (C>T on the coding strand, the complement: RELN is on the minus strand). VCF-style: chr7-103561940-G-A. GRCh37 (hg19) VCF-style: chr7-103202387-G-A.
Other names: c.5224C>T, p.Arg1742Trp (NM_173054.3); short protein forms R1742W.
Identifiers: ClinVar variation 2936655 (VCV002936655.3), dbSNP rs771039313, ClinGen allele CA4421270.
Genomic context (GRCh38, chr7:103,561,940, plus strand): 5'-CATTATCAATCGCCCAGGAATCAGCCCCCACAGTGTAGTTGGCCTGAATCCATCTGAACC[G>A]GGTCCTGGGAGAACTAACCAAAAAAAAAAAAAAAAAAACACACCACTGGTTTGACAAGCA-3'
Protein context (NP_005036.2, residues 1732-1752): LPLSTISPRT[Arg1742Trp]FRWIQANYTV